The following is an entry in ClinVar:

NM_138694.4(PKHD1):c.8521A>G (p.Met2841Val)

Gene: PKHD1 (PKHD1 ciliary IPT domain containing fibrocystin/polyductin; minus strand). Cytogenetic location: 6p12.3.
Variant type: single nucleotide variant.
Coding change: c.8521A>G on transcript NM_138694.4 (MANE Select); coding-DNA position 8521, A replaced by G.
Protein change: p.Met2841Val; replaces methionine 2841 with valine.
Molecular consequence: missense variant.
Genome position (GRCh38, 1-based): chr6:51,775,841, T>C on the plus strand (A>G on the coding strand, the complement: PKHD1 is on the minus strand). VCF-style: chr6-51775841-T-C. GRCh37 (hg19) VCF-style: chr6-51640639-T-C.
Other names: c.8521A>G, p.Met2841Val (NM_170724.3); short protein forms M2841V.
Identifiers: ClinVar variation 188742 (VCV000188742.65), dbSNP rs113562492, ClinGen allele CA203171.

ClinVar aggregate classification (germline): Conflicting classifications of pathogenicity. Review status: criteria provided, conflicting classifications (1 of 4 stars). 11 submissions from 11 submitters: Uncertain significance (1); Benign (6); Likely benign (1). 3 of the submissions do not count toward it. Last evaluated 2026-05-01.

Conditions:
Autosomal recessive polycystic kidney disease (ARPKD). Also called: AR polycystic kidney disease. Identifiers: Orphanet 731, Orphanet 8378, MedGen C0085548, MeSH D017044, MONDO:0009889.
Polycystic kidney disease. Also called: Kidney, Polycystic; Polycystic kidney dysplasia. Identifiers: MedGen C0022680, MeSH D007690, MONDO:0020642, HP:0000113.

Allele frequency attached by ClinVar (database versions not stated): gnomAD exomes 0.00123 and 0.00283; ExAC 0.00316; gnomAD 0.00659 and 0.00702; TOPMed 0.00793; 1000 Genomes Project 30x 0.00796; 1000 Genomes Project 0.00819; ESP Exome Variant Server 0.00915.
gnomAD v4.1: 2,932 of 1,582,968 alleles (0.19%); highest among the groups gnomAD compares: African/African-American, 2.1%; 32 homozygotes.

Submissions (11):

CeGaT Center for Human Genetics Tuebingen
Classification: Benign. Last evaluated: 2026-05-01. Review status: criteria provided, single submitter. Criteria: CeGaT Center For Human Genetics Tuebingen Variant Classification Criteria Version 2. Collection method: clinical testing. Allele origin: germline. Affected: yes. Observed: 2 variant alleles.
Comment: PKHD1: BP4, BS1, BS2

Labcorp Genetics (formerly Invitae), Labcorp
Classification: Benign for Autosomal recessive polycystic kidney disease. Last evaluated: 2026-01-31. Review status: criteria provided, single submitter. Criteria: Invitae Variant Classification Sherloc (09022015). Collection method: clinical testing. Allele origin: germline.

Mayo Clinic Laboratories, Mayo Clinic
Classification: Benign. Last evaluated: 2024-01-31. Review status: criteria provided, single submitter. Criteria: ACMG Guidelines, 2015. Collection method: clinical testing. Allele origin: germline. Observed: 11 variant alleles.
Comment: BS1, BS2, BP4

GeneDx
Classification: Benign. Last evaluated: 2020-03-27. Review status: criteria provided, single submitter. Criteria: GeneDx Variant Classification (06012015). Collection method: clinical testing. Allele origin: germline. Affected: yes.
Comment: This variant is associated with the following publications: (PMID: 22995991, 27884173, 15805161)

Women's Health and Genetics/Laboratory Corporation of America, LabCorp
Classification: Benign. Last evaluated: 2018-01-30. Review status: criteria provided, single submitter. Criteria: LabCorp Variant Classification Summary - May 2015. Collection method: clinical testing. Allele origin: germline.
Comment: Variant summary: PKHD1 c.8521A>G (p.Met2841Val) located in the G8 domain (via InterPro) results in a conservative amino acid change in the encoded protein sequence. Five of five in-silico tools predict a benign effect of the variant on protein function. However, these predictions have yet to be functionally assessed. The variant allele was found at a frequency of 0.0031 in 275668 control chromosomes, predominantly at a frequency of 0.021 within the African subpopulation in the gnomAD database, including 10 homozygotes. The observed variant frequency within African control individuals in the gnomAD database is approximately 3-fold higher than the estimated maximal expected allele frequency for a pathogenic variant in PKHD1 causing Polycystic Kidney and Hepatic Disease phenotype (0.0071), strongly suggesting that the variant is a benign polymorphism found primarily in populations of African origin. Multiple publications have cited the variant in affected individuals, however, with limited information, i.e. lack of co-occurrence and/or cosegregation data. One publication reports the variant in a compound heterozygote patient, Met2841V/p.Tyr938fs, without providing cosegregation data (Losekoot_2005). Multiple clinical diagnostic laboratories have cited the variant with a classification of "likely benign/benign." Based on the evidence outlined above, the variant was classified as benign.

Illumina Laboratory Services, Illumina
Classification: Uncertain significance for Polycystic kidney disease 4. Last evaluated: 2017-04-27. Review status: criteria provided, single submitter. Criteria: ICSL Variant Classification Criteria 13 December 2019. Collection method: clinical testing. Allele origin: germline.
Comment: This variant was observed as part of a predisposition screen in an ostensibly healthy population. A literature search was performed for the gene, cDNA change, and amino acid change (where applicable). Publications were found based on this search. However, the evidence from the literature, in combination with allele frequency data from public databases where available, was not sufficient to rule this variant in or out of causing disease. Therefore, this variant is classified as a variant of unknown significance.

Laboratory for Molecular Medicine, Mass General Brigham Personalized Medicine
Classification: Likely benign. Last evaluated: 2016-03-29. Review status: criteria provided, single submitter. Criteria: LMM Criteria. Collection method: clinical testing. Allele origin: germline.
Comment: Variant identified in a genome or exome case(s) and assessed due to predicted null impact of the variant or pathogenic assertions in the literature or databases. Disclaimer: This variant has not undergone full assessment. The following are preliminary notes: Frequency in ESP (all): 119/13004=0.91%; Frequency in ESP (AA): 103/4303=2.39%

Eurofins Ntd Llc (ga)
Classification: Benign. Last evaluated: 2014-11-20. Review status: criteria provided, single submitter. Criteria: EGL Classification Definitions 2015. Collection method: clinical testing. Allele origin: germline. Observed: 2 variant alleles, 2 heterozygotes.

Natera, Inc.
Classification: Benign for Autosomal recessive polycystic kidney disease. Last evaluated: 2020-04-08. Review status: no assertion criteria provided. Collection method: clinical testing. Allele origin: germline. Not counted in ClinVar's aggregate classification.

Counsyl
Classification: Likely benign for Polycystic kidney disease, infantile type. Last evaluated: 2014-04-09. Review status: no assertion criteria provided. Collection method: literature only. Allele origin: unknown. Inheritance: Autosomal recessive inheritance. Not counted in ClinVar's aggregate classification.

Department of Pathology and Laboratory Medicine, Sinai Health System
Classification: Benign for Polycystic Kidney disease. Review status: no assertion criteria provided. Collection method: clinical testing. Allele origin: unknown. Affected: yes. Observed: 1 variant allele. Study: The Canadian Open Genetics Repository (COGR). Not counted in ClinVar's aggregate classification.
Comment: The PKHD1 p.Met2841Val variant was identified in 2 of 228 proband chromosomes (frequency: 0.009) from individuals or unrelated families with ARPKD (Losekoot 2005, Sharp 2005). The variant was also identified in the following databases: dbSNP (ID: rs113562492) as â€šÃ„ÃºWith other alleleâ€šÃ„Ã¹, ClinVar (4x, as benign by EGL Genetics, Invitae and likely benign by Counsyl, and Laboratory for Molecular Medicine), LOVD 3.0 (1x, reported "does not affect function") and RWTH AAachen University ARPKD database (1x). The variant was identified in control databases in 856 of 275468 (12 homozygous) chromosomes at a frequency of 0.003 in the following populations: African in 497 (10 homozygous) of 23972 chromosomes (freq. 0.02), other in 17 of 6418 chromosomes (freq. 0.0026), Latino in 37 of 3490 chromosomes (freq. 0.001), European in 49 of 125822 chromosomes (freq. 0.0004), Ashkenazi Jewish in 254 of 10128 chromosomes (freq. 0.025), South Asian in 2 of 30750 chromosomes (freq. 0.000065), increasing the likelihood this could be a low frequency benign variant (Genome Aggregation Consortium Feb 27, 2017). The p.Met2841Val residue is not conserved in mammals and computational analyses (PolyPhen-2, SIFT, AlignGVGD, BLOSUM, MutationTaster) do not suggest a high likelihood of impact to the protein; however, this information is not predictive enough to rule out pathogenicity. The variant occurs outside of the splicing consensus sequence and 2 of 5 in silico or computational prediction software programs (SpliceSiteFinder, MaxEntScan, NNSPLICE, GeneSplicer, HumanSpliceFinder) predict a greater than 10% difference in splicing; this is not very predictive of pathogenicity. The variant is located with the G8 domain functional domain(s) increasing the likelihood that it may have clinical significance. In addition the p.Met2841Val variant was identified in trans with the PKHD1 (c.2812_2813del, p.Tyr938fs) mutation (Losekoot 2005). In summary, based on the above information this variant meets our laboratory criteria to be classified as benign.

Literature cited by the submitters: PubMed 15805161 (cited by 4 submitters); PubMed 16133180 (cited by 4 submitters).